The following is an entry in ClinVar:

ClinVar aggregate classification (germline): Pathogenic (1 of 4 stars; one submission).

Conditions:
Ellis-van Creveld syndrome (EVC). Also called: MESOECTODERMAL DYSPLASIA; Chondroectodermal dysplasia. Identifiers: Orphanet 289, MedGen C0013903, MONDO:0009162, OMIM 225500.

Submission:

Myriad Genetics, Inc.
Classification: Pathogenic for Ellis-van Creveld syndrome. Last evaluated: 2023-08-21. Review status: criteria provided, single submitter. Criteria: Myriad Autosomal Dominant, Autosomal Recessive and X-Linked Classification Criteria (2023). Collection method: clinical testing. Allele origin: unknown.
Comment: NM_153717.2(EVC):c.963_964ins16(A322Mfs*17) is expected to be pathogenic in the context of EVC-related Ellis-van Creveld syndrome. This variant is predicted to lead to an abnormal or absent protein product due to the creation of a premature termination codon in EVC, a gene where loss-of-function variants are known to be pathogenic. Please note: this variant was assessed in the context of healthy population screening.

NM_153717.3(EVC):c.963_964insATGTGTATAAGAGACA (p.Ala322fs)

Gene: EVC (EvC ciliary complex subunit 1; plus strand). Cytogenetic location: 4p16.2.
Variant type: Insertion.
Coding change: c.963_964insATGTGTATAAGAGACA on transcript NM_153717.3 (MANE Select); coding-DNA positions 963 to 964, ATGTGTATAAGAGACA inserted.
Protein change: p.Ala322fs; shifts the reading frame from alanine 322.
Molecular consequence: frameshift variant.
Genome position: GRCh38 VCF-style: chr4-5748171-G-GATGTGTATAAGAGACA. GRCh37 (hg19) VCF-style: chr4-5749898-G-GATGTGTATAAGAGACA.
Other names: c.963_964insATGTGTATAAGAGACA, p.Ala322fs (NM_001306090.2, NM_001306092.2); short protein forms A322fs.
Identifiers: ClinVar variation 5011427 (VCV005011427.1).